The following is an entry in ClinVar:

ClinVar aggregate classification (germline): Uncertain significance. Review status: criteria provided, multiple submitters, no conflicts (2 of 4 stars). 3 submissions from 3 submitters: Uncertain significance (3). Last evaluated 2024-10-21.

Conditions:
Melanoma, cutaneous malignant, susceptibility to, 1 (CMM1). Also called: DYSPLASTIC NEVUS SYNDROME, HEREDITARY; FAMILIAL ATYPICAL MOLE-MALIGNANT MELANOMA SYNDROME; MELANOMA, MALIGNANT; B-K MOLE SYNDROME. Identifiers: Orphanet 618, MedGen C1835047, MONDO:0007963, OMIM 155600.
LEOPARD syndrome 3 (LPRD3). Identifiers: Orphanet 500, MedGen C3150971, MONDO:0013380, OMIM 613707.
Noonan syndrome 1 (NS1). Also called: FEMALE PSEUDO-TURNER SYNDROME; TURNER PHENOTYPE WITH NORMAL KARYOTYPE; PTPN11-Related Noonan Syndrome. Identifiers: Orphanet 648, MedGen C4551602, MONDO:0008104, OMIM 163950. Disease mechanism: gain of function.
Noonan syndrome 7 (NS7). Also called: BRAF-Related Noonan Syndrome. Identifiers: Orphanet 648, MedGen C3150970, MONDO:0013379, OMIM 613706.
Colorectal cancer. Also called: Colorectal cancer, somatic; Malignant Colorectal Neoplasm. Identifiers: MedGen C0346629, MONDO:0005575, OMIM 114500.
Cardiofaciocutaneous syndrome 1 (CFC1). Also called: BRAF-Related Cardiofaciocutaneous Syndrome. Identifiers: Orphanet 1340, MedGen CN029449, MONDO:0007265, OMIM 115150. Disease mechanism: gain of function.
Lung cancer. Also called: Lung cancer, somatic; Malignant tumor of lung. Identifiers: MedGen C0242379, MONDO:0008903, OMIM 211980.
Cardiovascular phenotype. Identifiers: MedGen CN230736.
RASopathy. Also called: rasopathies; Noonan spectrum disorder. Identifiers: Orphanet 536391, MedGen C5555857, MONDO:0021060.

Allele frequency attached by ClinVar (database versions not stated): gnomAD 0.00001; gnomAD exomes 0.00001 and 0.00004; TOPMed 0.00002.
gnomAD v4.1: 15 of 1,170,034 alleles (0.0013%); highest among the groups gnomAD compares: Admixed American, 0.0083%; no homozygotes.

Submissions (3):

Ambry Genetics
Classification: Uncertain significance for Cardiovascular phenotype. Last evaluated: 2024-10-21. Review status: criteria provided, single submitter. Criteria: Ambry Variant Classification Scheme 2023. Collection method: clinical testing. Allele origin: germline.
Comment: The p.G9A variant (also known as c.26G>C), located in coding exon 1 of the BRAF gene, results from a G to C substitution at nucleotide position 26. The glycine at codon 9 is replaced by alanine, an amino acid with similar properties. This amino acid position is conserved. In addition, this alteration is predicted to be tolerated by in silico analysis. Since supporting evidence is limited at this time, the clinical significance of this alteration remains unclear.

Labcorp Genetics (formerly Invitae), Labcorp
Classification: Uncertain significance for RASopathy. Last evaluated: 2024-05-06. Review status: criteria provided, single submitter. Criteria: Invitae Variant Classification Sherloc (09022015). Collection method: clinical testing. Allele origin: germline.
Comment: This sequence change replaces glycine, which is neutral and non-polar, with alanine, which is neutral and non-polar, at codon 9 of the BRAF protein (p.Gly9Ala). This variant is present in population databases (no rsID available, gnomAD 0.02%). This variant has not been reported in the literature in individuals affected with BRAF-related conditions. ClinVar contains an entry for this variant (Variation ID: 1445848). Advanced modeling of protein sequence and biophysical properties (such as structural, functional, and spatial information, amino acid conservation, physicochemical variation, residue mobility, and thermodynamic stability) performed at Invitae indicates that this missense variant is not expected to disrupt BRAF protein function with a negative predictive value of 95%. In summary, the available evidence is currently insufficient to determine the role of this variant in disease. Therefore, it has been classified as a Variant of Uncertain Significance.

Fulgent Genetics
Classification: Uncertain significance for Colorectal cancer; Cardiofaciocutaneous syndrome 1; Melanoma, cutaneous malignant, susceptibility to, 1; Noonan syndrome 1; Lung cancer; Noonan syndrome 7; LEOPARD syndrome 3. Last evaluated: 2022-04-08. Review status: criteria provided, single submitter. Criteria: ACMG Guidelines, 2015. Collection method: clinical testing. Allele origin: unknown.

NM_004333.6(BRAF):c.26G>C (p.Gly9Ala)

Gene: BRAF (B-Raf proto-oncogene, serine/threonine kinase; minus strand). Cytogenetic location: 7q34.
Variant type: single nucleotide variant.
Coding change: c.26G>C on transcript NM_004333.6 (MANE Select); coding-DNA position 26, G replaced by C.
Protein change: p.Gly9Ala; replaces glycine 9 with alanine.
Molecular consequence: missense variant.
Genome position (GRCh38, 1-based): chr7:140,924,678, C>G on the plus strand (G>C on the coding strand, the complement: BRAF is on the minus strand). VCF-style: chr7-140924678-C-G. GRCh37 (hg19) VCF-style: chr7-140624478-C-G.
Other names: c.26G>C, p.Gly9Ala (NM_001354609.2, NM_001374244.1, NM_001374258.1 and 7 more transcripts); short protein forms G9A.
Identifiers: ClinVar variation 1445848 (VCV001445848.10), dbSNP rs1211436028, ClinGen allele CA369590247.